The following is an entry in ClinVar:

ClinVar aggregate classification (germline): Uncertain significance. Review status: criteria provided, multiple submitters, no conflicts (2 of 4 stars). 2 submissions from 2 submitters: Uncertain significance (2). Last evaluated 2025-04-15.

Conditions:
Inborn genetic diseases. Identifiers: MedGen C0950123, MeSH D030342.

Allele frequency attached by ClinVar (database versions not stated): TOPMed below 0.00001; gnomAD 0.00001; ExAC 0.00004.
gnomAD v4.1: 15 of 1,605,474 alleles (0.00093%); highest among the groups gnomAD compares: South Asian, 0.0033%; no homozygotes.

Submissions (2):

Ambry Genetics
Classification: Uncertain significance for Inborn genetic diseases. Last evaluated: 2025-04-15. Review status: criteria provided, single submitter. Criteria: Ambry Variant Classification Scheme 2023. Collection method: clinical testing. Allele origin: germline.

Labcorp Genetics (formerly Invitae), Labcorp
Classification: Uncertain significance. Last evaluated: 2023-08-21. Review status: criteria provided, single submitter. Criteria: Invitae Variant Classification Sherloc (09022015). Collection method: clinical testing. Allele origin: germline.
Comment: This sequence change replaces glutamic acid, which is acidic and polar, with lysine, which is basic and polar, at codon 568 of the COL8A2 protein (p.Glu568Lys). In summary, the available evidence is currently insufficient to determine the role of this variant in disease. Therefore, it has been classified as a Variant of Uncertain Significance. An algorithm developed to predict the effect of missense changes on protein structure and function (PolyPhen-2) suggests that this variant is likely to be tolerated. This variant has not been reported in the literature in individuals affected with COL8A2-related conditions. This variant is present in population databases (rs774419881, gnomAD 0.01%).

NM_005202.4(COL8A2):c.1702G>A (p.Glu568Lys)

Gene: COL8A2 (collagen type VIII alpha 2 chain; minus strand). Cytogenetic location: 1p34.3.
Variant type: single nucleotide variant.
Coding change: c.1702G>A on transcript NM_005202.4 (MANE Select); coding-DNA position 1702, G replaced by A.
Protein change: p.Glu568Lys; replaces glutamic acid 568 with lysine.
Molecular consequence: missense variant.
Genome position (GRCh38, 1-based): chr1:36,097,979, C>T on the plus strand (G>A on the coding strand, the complement: COL8A2 is on the minus strand). VCF-style: chr1-36097979-C-T. GRCh37 (hg19) VCF-style: chr1-36563580-C-T.
Other names: c.1507G>A, p.Glu503Lys (NM_001294347.2); c.1702G>A (NM_005202.2); short protein forms E503K, E568K.
Identifiers: ClinVar variation 2990438 (VCV002990438.4), dbSNP rs774419881, ClinGen allele CA764894.